The following is an entry in ClinVar:

NM_152547.5(BTNL9):c.1518G>A (p.Pro506=)

Gene: BTNL9 (butyrophilin like 9; plus strand). Cytogenetic location: 5q35.3.
Variant type: single nucleotide variant.
Coding change: c.1518G>A on transcript NM_152547.5 (MANE Select); coding-DNA position 1518, G replaced by A.
Protein change: p.Pro506=; no amino-acid change (proline 506 retained).
Molecular consequence: synonymous variant.
Genome position (GRCh38, 1-based): chr5:181,059,772, G>A. VCF-style: chr5-181059772-G-A. GRCh37 (hg19) VCF-style: chr5-180486772-G-A.
Identifiers: ClinVar variation 5040467 (VCV005040467.1).
Genomic context (GRCh38, chr5:181,059,772, plus strand): 5'-CAGGCCCAGGGCCCACGACGGCGGCGAACATCCGGATCCCCTGACCATCTGCCCGCTGCC[G>A]GTTAGAGGGACGGGCGTCCCCGAAGAGAACGACAGTGACACCTGGCTACAGCCCTATGAG-3'
Protein context (NP_689760.2, residues 496-516): HPDPLTICPL[Pro506=]VRGTGVPEEN

ClinVar aggregate classification (germline): Likely benign (1 of 4 stars; one submission).

gnomAD v4.1: 41 of 1,610,622 alleles (0.0025%); highest among the groups gnomAD compares: South Asian, 0.0011%; no homozygotes.

Submission:

CeGaT Center for Human Genetics Tuebingen
Classification: Likely benign. Last evaluated: 2026-08-01. Review status: criteria provided, single submitter. Criteria: CeGaT Center For Human Genetics Tuebingen Variant Classification Criteria Version 2. Collection method: clinical testing. Allele origin: germline. Affected: yes. Observed: 1 variant allele.
Comment: BTNL9: BP4, BP7